The following is an entry in ClinVar:

ClinVar aggregate classification (germline): Pathogenic. Review status: criteria provided, multiple submitters, no conflicts (2 of 4 stars). 5 submissions from 5 submitters: Pathogenic (5). Last evaluated 2024-02-19.

Conditions:
DLG4-related disorder. Also called: DLG4-related condition.
Inborn genetic diseases. Identifiers: MedGen C0950123, MeSH D030342.
Intellectual developmental disorder 62. Also called: INTELLECTUAL DEVELOPMENTAL DISORDER, AUTOSOMAL DOMINANT 62; MENTAL RETARDATION, AUTOSOMAL DOMINANT 62. Identifiers: MedGen C5394083, MONDO:0032919, OMIM 618793.

Submissions (5):

Institute of Human Genetics, University of Leipzig Medical Center
Classification: Pathogenic for Intellectual developmental disorder 62. Last evaluated: 2024-02-19. Review status: criteria provided, single submitter. Criteria: ACMG Guidelines, 2015. Collection method: clinical testing. Allele origin: de novo. Inheritance: Autosomal dominant inheritance. Affected: yes.
Comment: Criteria applied: PVS1,PS2,PS4_MOD,PM2_SUP

GeneDx
Classification: Pathogenic. Last evaluated: 2024-01-16. Review status: criteria provided, single submitter. Criteria: GeneDx Variant Classification Process June 2021. Collection method: clinical testing. Allele origin: germline. Affected: yes.
Comment: Nonsense variant predicted to result in protein truncation or nonsense mediated decay in a gene for which loss of function is a known mechanism of disease; Not observed at significant frequency in large population cohorts (gnomAD); This variant is associated with the following publications: (PMID: 38135915, 36854414, 33597769)

Blueprint Genetics
Classification: Pathogenic for DLG4-related disorders. Last evaluated: 2023-05-22. Review status: criteria provided, single submitter. Criteria: ACMG Guidelines, 2015. Collection method: clinical testing. Allele origin: germline. Affected: yes. Observed: 1 variant allele.

Tumer Group, Copenhagen University Hospital, Rigshospitalet
Classification: Pathogenic for Intellectual developmental disorder 62. Last evaluated: 2023-02-28. Review status: criteria provided, single submitter. Criteria: ACMG Guidelines, 2015. Collection method: research. Allele origin: de novo. Affected: yes.

Ambry Genetics
Classification: Pathogenic for Inborn genetic diseases. Last evaluated: 2020-09-22. Review status: criteria provided, single submitter. Criteria: Ambry Variant Classification Scheme 2023. Collection method: clinical testing. Allele origin: germline.
Comment: The c.1675C>T (p.R559*) alteration, located in coding exon 17 of the DLG4 gene, results from a C to T substitution at nucleotide position 1675. This changes the amino acid from an arginine (R) to a stop codon at amino acid position 559. This alteration is expected to result in loss of function by premature protein truncation or nonsense-mediated mRNA decay. Based on data from the Genome Aggregation Database (gnomAD), the DLG4 c.1675C>T alteration was not observed, with coverage at this position. Based on the available evidence, this alteration is classified as pathogenic.

NM_001321075.3(DLG4):c.1546C>T (p.Arg516Ter)

Gene: DLG4 (discs large MAGUK scaffold protein 4; minus strand). Cytogenetic location: 17p13.1.
Variant type: single nucleotide variant.
Coding change: c.1546C>T on transcript NM_001321075.3 (MANE Select); coding-DNA position 1546, C replaced by T.
Protein change: p.Arg516Ter; replaces arginine 516 with a stop codon.
Molecular consequence: nonsense. On other transcripts: non-coding transcript variant (1).
Genome position (GRCh38, 1-based): chr17:7,193,712, G>A on the plus strand (C>T on the coding strand, the complement: DLG4 is on the minus strand). VCF-style: chr17-7193712-G-A. GRCh37 (hg19) VCF-style: chr17-7097031-G-A.
Other names: c.1537C>T, p.Arg513Ter (NM_001128827.4); c.1666C>T, p.Arg556Ter (NM_001321074.1); c.1366C>T, p.Arg456Ter (NM_001321076.3, NM_001321077.3); c.1675C>T, p.Arg559Ter (NM_001365.5); c.1465C>T, p.Arg489Ter (NM_001369566.3); short protein forms R456*, R489*, R513*, R516*, R556*, R559*.
Identifiers: ClinVar variation 985269 (VCV000985269.10), dbSNP rs778104648, ClinGen allele CA397715323.